The following is an entry in ClinVar:

NM_000157.4(GBA1):c.58A>G (p.Ile20Val)

Gene: GBA1 (glucosylceramidase beta 1; minus strand). Cytogenetic location: 1q22.
Variant type: single nucleotide variant.
Coding change: c.58A>G on transcript NM_000157.4 (MANE Select); coding-DNA position 58, A replaced by G.
Protein change: p.Ile20Val; replaces isoleucine 20 with valine.
Molecular consequence: missense variant. On other transcripts: intron variant (1).
Genome position (GRCh38, 1-based): chr1:155,240,687, T>C on the plus strand (A>G on the coding strand, the complement: GBA1 is on the minus strand). VCF-style: chr1-155240687-T-C. GRCh37 (hg19) VCF-style: chr1-155210478-T-C.
Other names: c.58A>G, p.Ile20Val (NM_001005741.3, NM_001005742.3, NM_001171812.2); c.-146-610A>G (NM_001171811.2); short protein forms I20V.
Identifiers: ClinVar variation 285512 (VCV000285512.6), dbSNP rs143187997, ClinGen allele CA1141866.

ClinVar aggregate classification (germline): Likely benign. Review status: criteria provided, multiple submitters, no conflicts (2 of 4 stars). 2 submissions from 2 submitters: Likely benign (2). Last evaluated 2022-06-13.

Allele frequency attached by ClinVar (database versions not stated): TOPMed 0.00010; gnomAD 0.00013 and 0.00053; gnomAD exomes 0.00015 and 0.00101; ExAC 0.00027; 1000 Genomes Project 30x 0.00281; 1000 Genomes Project 0.00359.
gnomAD v4.1: 1,510 of 1,613,752 alleles (0.094%); highest among the groups gnomAD compares: East Asian, 3.3%; 54 homozygotes.

Submissions (2):

Women's Health and Genetics/Laboratory Corporation of America, LabCorp
Classification: Likely benign. Last evaluated: 2022-06-13. Review status: criteria provided, single submitter. Criteria: LabCorp Variant Classification Summary - May 2015. Collection method: clinical testing. Allele origin: germline.
Comment: Variant summary: GBA c.58A>G (p.Ile20Val) results in a conservative amino acid change located in the Glycosyl hydrolase family 30, TIM-barrel domain (IPR033453) of the encoded protein sequence. Four of five in-silico tools predict a benign effect of the variant on protein function. The variant allele was found at a frequency of 0.0012 in 152724 control chromosomes (gnomAD v.3.1.2 and publication), predominantly at a frequency of 0.014 within the East Asian subpopulation in the gnomAD database, including 7 homozygotes. The observed variant frequency within East Asian control individuals in the gnomAD database is approximately 3-fold of the estimated maximal expected allele frequency for a pathogenic variant in GBA causing Gaucher Disease phenotype (0.005), strongly suggesting that the variant is a benign polymorphism found primarily in populations of East Asian origin. c.58A>G has been reported in the literature in a child affected with Gaucher Disease without strong evidence of causality and in individuals affected with multiple system atrophy and Parkinson's disease, but it was also reported in multiple healthy controls (e.g. Mitsui_2015, Oeda_2015, Yoshida_2016). These reports do not provide unequivocal conclusions about association of the variant with Gaucher Disease. To our knowledge, no experimental evidence demonstrating an impact on protein function has been reported. A ClinVar submitter (evaluation after 2014) cites the variant as likely benign. Based on the evidence outlined above, the variant was classified as likely benign.

Eurofins Ntd Llc (ga)
Classification: Likely benign. Last evaluated: 2015-12-17. Review status: criteria provided, single submitter. Criteria: EGL Classification Definitions 2015. Collection method: clinical testing. Allele origin: germline. Observed: 1 variant allele, 1 heterozygote.

Literature cited by the submitters: PubMed 25909086 (cited by Women's Health and Genetics/Laboratory Corporation of America, LabCorp); PubMed 26422360 (cited by Women's Health and Genetics/Laboratory Corporation of America, LabCorp); PubMed 27682613 (cited by Women's Health and Genetics/Laboratory Corporation of America, LabCorp).